The following is an entry in ClinVar:

ClinVar aggregate classification (germline): Uncertain significance (1 of 4 stars; one submission).

Conditions:
Hereditary cancer-predisposing syndrome. Also called: Neoplastic Syndromes, Hereditary; Tumor predisposition; Hereditary neoplastic syndrome; Hereditary Cancer Syndrome. Identifiers: Orphanet 140162, MedGen C0027672, MeSH D009386, MONDO:0015356.

gnomAD v4.1: 1 of 1,613,920 alleles (0.000062%); no homozygotes.

Submission:

Ambry Genetics
Classification: Uncertain significance for Hereditary cancer-predisposing syndrome. Last evaluated: 2026-07-07. Review status: criteria provided, single submitter. Criteria: Ambry Variant Classification Scheme 2023. Collection method: clinical testing. Allele origin: germline.
Comment: The p.K333E variant (also known as c.997A>G), located in coding exon 11 of the BAP1 gene, results from an A to G substitution at nucleotide position 997. The lysine at codon 333 is replaced by glutamic acid, an amino acid with similar properties. This amino acid position is conserved. In addition, the in silico prediction for this alteration is inconclusive. Based on the available evidence, the clinical significance of this variant remains unclear.

NM_004656.4(BAP1):c.997A>G (p.Lys333Glu)

Gene: BAP1 (BRCA1 associated deubiquitinase 1; minus strand). Cytogenetic location: 3p21.1.
Variant type: single nucleotide variant.
Coding change: c.997A>G on transcript NM_004656.4 (MANE Select); coding-DNA position 997, A replaced by G.
Protein change: p.Lys333Glu; replaces lysine 333 with glutamic acid.
Molecular consequence: missense variant.
Genome position (GRCh38, 1-based): chr3:52,405,229, T>C on the plus strand (A>G on the coding strand, the complement: BAP1 is on the minus strand). VCF-style: chr3-52405229-T-C. GRCh37 (hg19) VCF-style: chr3-52439245-T-C.
Other names: c.943A>G, p.Lys315Glu (NM_001410772.1); short protein forms K315E, K333E.
Identifiers: ClinVar variation 5032704 (VCV005032704.1).